The following is an entry in ClinVar:

NM_025081.3(NYNRIN):c.2064G>A (p.Thr688=)

Gene: NYNRIN (NYN domain and retroviral integrase containing; plus strand). Cytogenetic location: 14q12.
Variant type: single nucleotide variant.
Coding change: c.2064G>A on transcript NM_025081.3 (MANE Select); coding-DNA position 2064, G replaced by A.
Protein change: p.Thr688=; no amino-acid change (threonine 688 retained).
Molecular consequence: synonymous variant.
Genome position (GRCh38, 1-based): chr14:24,409,858, G>A. VCF-style: chr14-24409858-G-A. GRCh37 (hg19) VCF-style: chr14-24879064-G-A.
Identifiers: ClinVar variation 3618812 (VCV003618812.2).
Genomic context (GRCh38, chr14:24,409,858, plus strand): 5'-ACCTGTGACCCCCAGAGTCTCCAGAGCTCCCAAAACACCTGCAGCTCAGAAGGTGCCCAC[G>A]GATGCAGGGCCAACCTTGGATGTAGCCAGACTTCTGAGTGAGGTCCAGCCTACATCAAGG-3'
Protein context (NP_079357.2, residues 678-698): PKTPAAQKVP[Thr688=]DAGPTLDVAR

ClinVar aggregate classification (germline): Uncertain significance (1 of 4 stars; one submission).

gnomAD v4.1: 45 of 1,613,266 alleles (0.0028%); highest among the groups gnomAD compares: South Asian, 0.04%; no homozygotes.

Submission:

Labcorp Genetics (formerly Invitae), Labcorp
Classification: Uncertain significance. Last evaluated: 2024-05-11. Review status: criteria provided, single submitter. Criteria: Invitae Variant Classification Sherloc (09022015). Collection method: clinical testing. Allele origin: germline.
Comment: This sequence change affects codon 688 of the NYNRIN mRNA. It is a 'silent' change, meaning that it does not change the encoded amino acid sequence of the NYNRIN protein. This variant is present in population databases (rs772086419, gnomAD 0.04%). This variant has not been reported in the literature in individuals affected with NYNRIN-related conditions. Experimental studies and prediction algorithms are not available or were not evaluated, and the effect of this variant on mRNA splicing is currently unknown. In summary, the available evidence is currently insufficient to determine the role of this variant in disease. Therefore, it has been classified as a Variant of Uncertain Significance.